The following is an entry in ClinVar:

ClinVar aggregate classification (germline): Pathogenic (1 of 4 stars; one submission).

Conditions:
Familial adenomatous polyposis 1 (FAP1). Also called: POLYPOSIS, ADENOMATOUS INTESTINAL; FAMILIAL ADENOMATOUS POLYPOSIS 1, ATTENUATED. Identifiers: MedGen C2713442, MONDO:0021056, OMIM 175100. Disease mechanism: loss of function.

Submission:

Myriad Genetics, Inc.
Classification: Pathogenic for Familial adenomatous polyposis 1. Last evaluated: 2026-06-24. Review status: criteria provided, single submitter. Criteria: Myriad Autosomal Dominant, Autosomal Recessive and X-Linked Classification Criteria (2023). Collection method: clinical testing. Allele origin: unknown.
Comment: This variant is considered pathogenic. This variant creates a frameshift predicted to result in premature protein truncation.

NM_000038.6(APC):c.6851_6853delinsTC (p.Pro2284fs)

Gene: APC (APC regulator of Wnt signaling pathway; plus strand). Cytogenetic location: 5q22.2.
Variant type: Indel.
Coding change: c.6851_6853delinsTC on transcript NM_000038.6 (MANE Select); coding-DNA positions 6851 to 6853, CTG replaced by TC.
Protein change: p.Pro2284fs; shifts the reading frame from proline 2284.
Molecular consequence: frameshift variant. On other transcripts: non-coding transcript variant (2).
Genome position (GRCh38, 1-based): chr5:112,842,445-112,842,447, CTG replaced by TC. VCF-style: chr5-112842445-CTG-TC. GRCh37 (hg19) VCF-style: chr5-112178142-CTG-TC.
Other names: c.6851_6853delinsTC, p.Pro2284fs (NM_001127510.3, NM_001354895.2, NM_001407450.1); c.6797_6799delinsTC, p.Pro2266fs (NM_001127511.3); c.6905_6907delinsTC, p.Pro2302fs (NM_001354896.2, NM_001407447.1, NM_001407448.1 and 1 more transcripts); c.6881_6883delinsTC, p.Pro2294fs (NM_001354897.2); c.6776_6778delinsTC, p.Pro2259fs (NM_001354898.2); c.6767_6769delinsTC, p.Pro2256fs (NM_001354899.2); c.6728_6730delinsTC, p.Pro2243fs (NM_001354900.2); c.6674_6676delinsTC, p.Pro2225fs (NM_001354901.2, NM_001407453.1); and 11 more; short protein forms P1900fs, P2001fs, P2124fs, P2155fs, P2158fs, P2183fs, P2193fs, P2201fs.
Identifiers: ClinVar variation 4876102 (VCV004876102.1).